The following is an entry in ClinVar:

ClinVar aggregate classification (germline): Likely benign (1 of 4 stars; one submission).

Allele frequency attached by ClinVar (database versions not stated): ExAC 0.00001; TOPMed 0.00001; gnomAD 0.00006 and 0.00001; gnomAD exomes 0.00001.
gnomAD v4.1: 30 of 1,589,974 alleles (0.0019%); highest among the groups gnomAD compares: Middle Eastern, 0.083%; 1 homozygote.

Submission:

GeneDx
Classification: Likely benign. Last evaluated: 2018-04-10. Review status: criteria provided, single submitter. Criteria: GeneDx Variant Classification (06012015). Collection method: clinical testing. Allele origin: germline. Affected: yes.
Comment: This variant is considered likely benign or benign based on one or more of the following criteria: it is a conservative change, it occurs at a poorly conserved position in the protein, it is predicted to be benign by multiple in silico algorithms, and/or has population frequency not consistent with disease.

NM_001347995.2(ENTREP1):c.443C>T (p.Thr148Ile)

Gene: ENTREP1 (endosomal transmembrane epsin interactor 1; plus strand). Cytogenetic location: 9q21.12.
Variant type: single nucleotide variant.
Coding change: c.443C>T on transcript NM_001347995.2 (MANE Select); coding-DNA position 443, C replaced by T.
Protein change: p.Thr148Ile; replaces threonine 148 with isoleucine.
Molecular consequence: missense variant. On other transcripts: 5 prime UTR variant (2), non-coding transcript variant (1).
Genome position (GRCh38, 1-based): chr9:69,336,241, C>T. VCF-style: chr9-69336241-C-T. GRCh37 (hg19) VCF-style: chr9-71951157-C-T.
Other names: c.-17C>T (NM_001127608.3, NM_004816.5); short protein forms T148I.
Identifiers: ClinVar variation 681158 (VCV000681158.2), dbSNP rs373172464, ClinGen allele CA5074074.